The following is an entry in ClinVar:

ClinVar aggregate classification (germline): Benign/Likely benign. Review status: criteria provided, multiple submitters, no conflicts (2 of 4 stars). 2 submissions from 2 submitters: Benign (1); Likely benign (1). Last evaluated 2024-12-30.

Conditions:
Hereditary nonpolyposis colorectal neoplasms. Identifiers: MedGen C0009405, MeSH D003123.
Lynch syndrome 5 (LYNCH5). Also called: Hereditary non-polyposis colorectal cancer, type 5; Colorectal cancer, hereditary nonpolyposis, type 5. Identifiers: Orphanet 144, MedGen C1833477, MONDO:0013710, OMIM 614350. Disease mechanism: loss of function.

Submissions (2):

Myriad Genetics, Inc.
Classification: Benign for Lynch syndrome 5. Last evaluated: 2024-12-30. Review status: criteria provided, single submitter. Criteria: Myriad Autosomal Dominant, Autosomal Recessive and X-Linked Classification Criteria (2023). Collection method: clinical testing. Allele origin: unknown.
Comment: This variant is considered benign. This variant is a silent/synonymous amino acid change and it is not expected to impact splicing.

Labcorp Genetics (formerly Invitae), Labcorp
Classification: Likely benign for Hereditary nonpolyposis colorectal neoplasms. Last evaluated: 2017-07-31. Review status: criteria provided, single submitter. Criteria: Invitae Variant Classification Sherloc (09022015). Collection method: clinical testing. Allele origin: germline.

NM_000179.3(MSH6):c.1872C>A (p.Gly624=)

Gene: MSH6 (mutS homolog 6; plus strand). Cytogenetic location: 2p16.3.
Variant type: single nucleotide variant.
Coding change: c.1872C>A on transcript NM_000179.3 (MANE Select); coding-DNA position 1872, C replaced by A.
Protein change: p.Gly624=; no amino-acid change (glycine 624 retained).
Molecular consequence: synonymous variant.
Genome position (GRCh38, 1-based): chr2:47,799,855, C>A. VCF-style: chr2-47799855-C-A. GRCh37 (hg19) VCF-style: chr2-48026994-C-A.
Other names: c.1482C>A, p.Gly494= (NM_001281492.2); c.966C>A, p.Gly322= (NM_001281493.2, NM_001281494.2).
Identifiers: ClinVar variation 455158 (VCV000455158.10), dbSNP rs1553413248, ClinGen allele CA426121277.